The following is an entry in ClinVar:

NM_000059.4(BRCA2):c.9211G>A (p.Glu3071Lys)

Gene: BRCA2 (BRCA2 DNA repair associated; plus strand). Cytogenetic location: 13q13.1.
Variant type: single nucleotide variant.
Coding change: c.9211G>A on transcript NM_000059.4 (MANE Select); coding-DNA position 9211, G replaced by A.
Protein change: p.Glu3071Lys; replaces glutamic acid 3071 with lysine.
Molecular consequence: missense variant. On other transcripts: non-coding transcript variant (1).
Genome position (GRCh38, 1-based): chr13:32,380,100, G>A. VCF-style: chr13-32380100-G-A. GRCh37 (hg19) VCF-style: chr13-32954237-G-A.
Other names: c.9115G>A, p.Glu3039Lys (NM_001406719.1); c.9160G>A, p.Glu3054Lys (NM_001406720.1); c.4279G>A, p.Glu1427Lys (NM_001406721.1); c.2794G>A, p.Glu932Lys (NM_001406722.1); short protein forms E3039K, E1427K, E3054K, E932K, E3071K.
Identifiers: ClinVar variation 2920724 (VCV002920724.2), dbSNP rs1593938141, ClinGen allele CA387758357.

ClinVar aggregate classification (germline): Uncertain significance. Review status: criteria provided, multiple submitters, no conflicts (2 of 4 stars). 2 submissions from 2 submitters: Uncertain significance (2). Last evaluated 2024-05-13.

Conditions:
Familial cancer of breast. Also called: Hereditary breast cancer; BREAST CANCER, FAMILIAL; hereditary breast carcinoma. Identifiers: Orphanet 227535, MedGen C0346153, MONDO:0016419, OMIM 114480. Disease mechanism: loss of function.
Hereditary cancer-predisposing syndrome. Also called: Neoplastic Syndromes, Hereditary; Hereditary Cancer Syndrome; Tumor predisposition; Hereditary neoplastic syndrome. Identifiers: Orphanet 140162, MedGen C0027672, MeSH D009386, MONDO:0015356.

Submissions (2):

Ambry Genetics
Classification: Uncertain significance for Hereditary cancer-predisposing syndrome. Last evaluated: 2024-05-13. Review status: criteria provided, single submitter. Criteria: Ambry Variant Classification Scheme 2023. Collection method: clinical testing. Allele origin: germline.
Comment: The p.E3071K variant (also known as c.9211G>A), located in coding exon 23 of the BRCA2 gene, results from a G to A substitution at nucleotide position 9211. The glutamic acid at codon 3071 is replaced by lysine, an amino acid with similar properties. This amino acid position is conserved. In addition, this alteration is predicted to be deleterious by in silico analysis. Based on the available evidence, the clinical significance of this variant remains unclear.

MGZ Medical Genetics Center
Classification: Uncertain significance for Familial cancer of breast. Last evaluated: 2024-02-09. Review status: criteria provided, single submitter. Criteria: CSpec BRCA1/2ACMG Rules Specifications V1.1.0. Collection method: clinical testing. Allele origin: germline. Affected: yes.
Comment: ACMG codes applied following ENIGMA VCEP rules: PM2_SUP